The following is an entry in ClinVar:

NM_012301.4(MAGI2):c.1213C>G (p.Pro405Ala)

Gene: MAGI2 (membrane associated guanylate kinase, WW and PDZ domain containing 2; minus strand). Cytogenetic location: 7q21.11.
Variant type: single nucleotide variant.
Coding change: c.1213C>G on transcript NM_012301.4 (MANE Select); coding-DNA position 1213, C replaced by G.
Protein change: p.Pro405Ala; replaces proline 405 with alanine.
Molecular consequence: missense variant.
Genome position (GRCh38, 1-based): chr7:78,345,934, G>C on the plus strand (C>G on the coding strand, the complement: MAGI2 is on the minus strand). VCF-style: chr7-78345934-G-C. GRCh37 (hg19) VCF-style: chr7-77975251-G-C.
Other names: c.1213C>G, p.Pro405Ala (NM_001301128.2); short protein forms P405A.
Identifiers: ClinVar variation 1962653 (VCV001962653.5), dbSNP rs772033035, ClinGen allele CA4314059.

ClinVar aggregate classification (germline): Uncertain significance (1 of 4 stars; one submission).

Allele frequency attached by ClinVar (database versions not stated): gnomAD exomes below 0.00001; ExAC 0.00001.
gnomAD v4.1: 6 of 1,614,052 alleles (0.00037%); highest among the groups gnomAD compares: Middle Eastern, 0.016%; no homozygotes.

Submission:

Labcorp Genetics (formerly Invitae), Labcorp
Classification: Uncertain significance. Last evaluated: 2022-02-06. Review status: criteria provided, single submitter. Criteria: Invitae Variant Classification Sherloc (09022015). Collection method: clinical testing. Allele origin: germline.
Comment: In summary, the available evidence is currently insufficient to determine the role of this variant in disease. Therefore, it has been classified as a Variant of Uncertain Significance. Algorithms developed to predict the effect of missense changes on protein structure and function (SIFT, PolyPhen-2, Align-GVGD) all suggest that this variant is likely to be tolerated. This variant has not been reported in the literature in individuals affected with MAGI2-related conditions. This variant is present in population databases (rs772033035, gnomAD 0.0009%). This sequence change replaces proline, which is neutral and non-polar, with alanine, which is neutral and non-polar, at codon 405 of the MAGI2 protein (p.Pro405Ala).